The following is an entry in ClinVar:

NM_014845.6(FIG4):c.2568G>T (p.Ser856=)

Gene: FIG4 (FIG4 phosphoinositide 5-phosphatase; plus strand). Cytogenetic location: 6q21.
Variant type: single nucleotide variant.
Coding change: c.2568G>T on transcript NM_014845.6 (MANE Select); coding-DNA position 2568, G replaced by T.
Protein change: p.Ser856=; no amino-acid change (serine 856 retained).
Molecular consequence: synonymous variant.
Genome position (GRCh38, 1-based): chr6:109,825,109, G>T. VCF-style: chr6-109825109-G-T. GRCh37 (hg19) VCF-style: chr6-110146312-G-T.
Identifiers: ClinVar variation 355049 (VCV000355049.17), dbSNP rs140055056, ClinGen allele CA3956457.

ClinVar aggregate classification (germline): Conflicting classifications of pathogenicity. Review status: criteria provided, conflicting classifications (1 of 4 stars). 4 submissions from 3 submitters: Uncertain significance (1); Likely benign (2). 1 of the submissions does not count toward it. Last evaluated 2025-12-22.

Conditions:
FIG4-related disorder. Also called: FIG4-related condition; FIG4-related disorders.
Charcot-Marie-Tooth disease type 4. Also called: Charcot-Marie-Tooth disease, type IV; Charcot-Marie-Tooth, Type 4. Identifiers: Orphanet 64749, MedGen C4082197, MONDO:0018995.
Amyotrophic lateral sclerosis type 11 (ALS11). Identifiers: Orphanet 803, MedGen C2675491, MONDO:0012945, OMIM 612577.
Charcot-Marie-Tooth disease type 4J (CMT4J). Also called: Charcot-Marie-Tooth Neuropathy Type 4J; CHARCOT-MARIE-TOOTH DISEASE, AUTOSOMAL RECESSIVE, TYPE 4J; CHARCOT-MARIE-TOOTH DISEASE, DEMYELINATING, TYPE 4J. Identifiers: Orphanet 139515, MedGen C1970011, MONDO:0012640, OMIM 611228.

Allele frequency attached by ClinVar (database versions not stated): 1000 Genomes Project 30x 0.00016; ESP Exome Variant Server 0.00031; TOPMed 0.00041.

Submissions (5):

Labcorp Genetics (formerly Invitae), Labcorp
Classification: Likely benign for Charcot-Marie-Tooth disease type 4. Last evaluated: 2025-12-22. Review status: criteria provided, single submitter. Criteria: Invitae Variant Classification Sherloc (09022015). Collection method: clinical testing. Allele origin: germline.

Illumina Laboratory Services, Illumina
Classification: Likely benign for Amyotrophic lateral sclerosis type 11. Last evaluated: 2018-01-13. Review status: criteria provided, single submitter. Criteria: ICSL Variant Classification Criteria 13 December 2019. Collection method: clinical testing. Allele origin: germline.
Comment: This variant was observed in the ICSL laboratory as part of a predisposition screen in an ostensibly healthy population. It had not been previously curated by ICSL or reported in the Human Gene Mutation Database (HGMD: prior to June 1st, 2018), and was therefore a candidate for classification through an automated scoring system. Utilizing variant allele frequency, disease prevalence and penetrance estimates, and inheritance mode, an automated score was calculated to assess if this variant is too frequent to cause the disease. Based on the score and internal cut-off values, a variant classified as likely benign is not then subjected to further curation. The score for this variant resulted in a classification of likely benign for this disease.

Illumina Laboratory Services, Illumina
Classification: Uncertain significance for Charcot-Marie-Tooth disease type 4J. Last evaluated: 2018-01-13. Review status: criteria provided, single submitter. Criteria: ICSL Variant Classification Criteria 13 December 2019. Collection method: clinical testing. Allele origin: germline.

PreventionGenetics, part of Exact Sciences
Classification: Likely benign for FIG4-related condition. Last evaluated: 2023-07-01. Review status: no assertion criteria provided. Collection method: clinical testing. Allele origin: germline. Not counted in ClinVar's aggregate classification.
Comment: This variant is classified as likely benign based on ACMG/AMP sequence variant interpretation guidelines (Richards et al. 2015 PMID: 25741868, with internal and published modifications).

Dr. Peter K. Rogan Lab, Western University
No classification provided (evidence only). Condition: Hepatocellular carcinoma. Review status: no classification provided. Collection method: in vitro. Allele origin: not applicable. Functional consequence: retained intron. Not counted in ClinVar's aggregate classification.